The following is an entry in ClinVar:

ClinVar aggregate classification (germline): Uncertain significance (1 of 4 stars; one submission).

Allele frequency attached by ClinVar (database versions not stated): gnomAD 0.00006 and 0.00005; TOPMed 0.00009; ESP Exome Variant Server 0.00015.
gnomAD v4.1: 23 of 1,614,050 alleles (0.0014%); highest among the groups gnomAD compares: Middle Eastern, 0.033%; no homozygotes.

Submission:

Labcorp Genetics (formerly Invitae), Labcorp
Classification: Uncertain significance. Last evaluated: 2025-12-01. Review status: criteria provided, single submitter. Criteria: Invitae Variant Classification Sherloc (09022015). Collection method: clinical testing. Allele origin: germline.
Comment: This sequence change replaces glycine, which is neutral and non-polar, with arginine, which is basic and polar, at codon 203 of the IRF9 protein (p.Gly203Arg). This variant is present in population databases (rs369645997, gnomAD 0.02%). This variant has not been reported in the literature in individuals affected with IRF9-related conditions. ClinVar contains an entry for this variant (Variation ID: 1381339). An algorithm developed to predict the effect of missense changes on protein structure and function outputs the following: PolyPhen-2: "Benign". The arginine amino acid residue is found in multiple mammalian species, which suggests that this missense change does not adversely affect protein function. In summary, the available evidence is currently insufficient to determine the role of this variant in disease. Therefore, it has been classified as a Variant of Uncertain Significance.

NM_006084.5(IRF9):c.607G>A (p.Gly203Arg)

Gene: IRF9 (interferon regulatory factor 9; plus strand). Cytogenetic location: 14q12.
Variant type: single nucleotide variant.
Coding change: c.607G>A on transcript NM_006084.5 (MANE Select); coding-DNA position 607, G replaced by A.
Protein change: p.Gly203Arg; replaces glycine 203 with arginine.
Molecular consequence: missense variant.
Genome position (GRCh38, 1-based): chr14:24,164,092, G>A. VCF-style: chr14-24164092-G-A. GRCh37 (hg19) VCF-style: chr14-24633301-G-A.
Other names: c.607G>A, p.Gly203Arg (NM_001385400.1, NM_001385401.1, NM_001385402.1); short protein forms G203R.
Identifiers: ClinVar variation 1381339 (VCV001381339.6), dbSNP rs369645997, ClinGen allele CA7126505.